The following is an entry in ClinVar:

NM_194454.3(KRIT1):c.260G>C (p.Arg87Thr)

Gene: KRIT1 (KRIT1 ankyrin repeat containing; minus strand). Cytogenetic location: 7q21.2.
Variant type: single nucleotide variant.
Coding change: c.260G>C on transcript NM_194454.3 (MANE Select); coding-DNA position 260, G replaced by C.
Protein change: p.Arg87Thr; replaces arginine 87 with threonine.
Molecular consequence: missense variant. On other transcripts: 5 prime UTR variant (1).
Genome position (GRCh38, 1-based): chr7:92,240,995, C>G on the plus strand (G>C on the coding strand, the complement: KRIT1 is on the minus strand). VCF-style: chr7-92240995-C-G. GRCh37 (hg19) VCF-style: chr7-91870309-C-G.
Other names: c.260G>C, p.Arg87Thr (NM_001013406.2, NM_001350669.1, NM_001350670.1 and 29 more transcripts); c.-324G>C (NM_001350671.1); short protein forms R87T.
Identifiers: ClinVar variation 3364353 (VCV003364353.2).

ClinVar aggregate classification (germline): Uncertain significance. Review status: criteria provided, multiple submitters, no conflicts (2 of 4 stars). 2 submissions from 2 submitters: Uncertain significance (2). Last evaluated 2026-07-19.

Conditions:
Inborn genetic diseases. Identifiers: MedGen C0950123, MeSH D030342.

gnomAD v4.1: 7 of 1,607,760 alleles (0.00044%); highest among the groups gnomAD compares: Non-Finnish European, 0.0006%; no homozygotes.

Submissions (2):

Ambry Genetics
Classification: Uncertain significance for Inborn genetic diseases. Last evaluated: 2026-07-19. Review status: criteria provided, single submitter. Criteria: Ambry Variant Classification Scheme 2023. Collection method: clinical testing. Allele origin: germline.

GeneDx
Classification: Uncertain significance. Last evaluated: 2023-11-15. Review status: criteria provided, single submitter. Criteria: GeneDx Variant Classification Process June 2021. Collection method: clinical testing. Allele origin: germline. Affected: yes.
Comment: Not observed at significant frequency in large population cohorts (gnomAD); In silico analysis supports that this missense variant has a deleterious effect on protein structure/function; Has not been previously published as pathogenic or benign to our knowledge